The following is an entry in ClinVar:

NM_002485.5(NBN):c.1976T>G (p.Phe659Cys)

Gene: NBN (nibrin; minus strand). Cytogenetic location: 8q21.3.
Variant type: single nucleotide variant.
Coding change: c.1976T>G on transcript NM_002485.5 (MANE Select); coding-DNA position 1976, T replaced by G.
Protein change: p.Phe659Cys; replaces phenylalanine 659 with cysteine.
Molecular consequence: missense variant.
Genome position (GRCh38, 1-based): chr8:89,946,234, A>C on the plus strand (T>G on the coding strand, the complement: NBN is on the minus strand). VCF-style: chr8-89946234-A-C. GRCh37 (hg19) VCF-style: chr8-90958462-A-C.
Other names: c.1730T>G, p.Phe577Cys (NM_001024688.3); short protein forms F659C, F577C.
Identifiers: ClinVar variation 659980 (VCV000659980.6), dbSNP rs1410677050, ClinGen allele CA371676539.

ClinVar aggregate classification (germline): Uncertain significance. Review status: criteria provided, multiple submitters, no conflicts (2 of 4 stars). 2 submissions from 2 submitters: Uncertain significance (2). Last evaluated 2024-04-01.

Conditions:
Microcephaly, normal intelligence and immunodeficiency (NBS). Also called: Microcephaly with normal intelligence immunodeficiency and lymphoreticular malignancies; Nonsyndromal microcephaly autosomal recessive with normal intelligence; Seemanova syndrome 2; Immunodeficiency, microcephaly with normal intelligence; SEEMANOVA SYNDROME II; Ataxia telangiectasia variant V1. Identifiers: Orphanet 647, MedGen C0398791, MONDO:0009623, OMIM 251260.
Hereditary cancer-predisposing syndrome. Also called: Neoplastic Syndromes, Hereditary; Hereditary neoplastic syndrome; Tumor predisposition; Hereditary Cancer Syndrome. Identifiers: Orphanet 140162, MedGen C0027672, MeSH D009386, MONDO:0015356.

Submissions (2):

Ambry Genetics
Classification: Uncertain significance for Hereditary cancer-predisposing syndrome. Last evaluated: 2024-04-01. Review status: criteria provided, single submitter. Criteria: Ambry Variant Classification Scheme 2023. Collection method: clinical testing. Allele origin: germline.
Comment: The p.F659C variant (also known as c.1976T>G), located in coding exon 13 of the NBN gene, results from a T to G substitution at nucleotide position 1976. The phenylalanine at codon 659 is replaced by cysteine, an amino acid with highly dissimilar properties. This amino acid position is conserved. In addition, this alteration is predicted to be deleterious by in silico analysis. Based on the available evidence, the clinical significance of this alteration remains unclear.

Labcorp Genetics (formerly Invitae), Labcorp
Classification: Uncertain significance for Microcephaly, normal intelligence and immunodeficiency. Last evaluated: 2021-08-28. Review status: criteria provided, single submitter. Criteria: Invitae Variant Classification Sherloc (09022015). Collection method: clinical testing. Allele origin: germline.
Comment: This sequence change replaces phenylalanine with cysteine at codon 659 of the NBN protein (p.Phe659Cys). The phenylalanine residue is highly conserved and there is a large physicochemical difference between phenylalanine and cysteine. This variant is not present in population databases (ExAC no frequency). This variant has not been reported in the literature in individuals affected with NBN-related conditions. Algorithms developed to predict the effect of missense changes on protein structure and function are either unavailable or do not agree on the potential impact of this missense change (SIFT: "Deleterious"; PolyPhen-2: "Probably Damaging"; Align-GVGD: "Class C0"). In summary, the available evidence is currently insufficient to determine the role of this variant in disease. Therefore, it has been classified as a Variant of Uncertain Significance.